The following is an entry in ClinVar:

ClinVar aggregate classification (germline): Uncertain significance (1 of 4 stars; one submission).

Submission:

Labcorp Genetics (formerly Invitae), Labcorp
Classification: Uncertain significance. Last evaluated: 2025-06-11. Review status: criteria provided, single submitter. Criteria: Invitae Variant Classification Sherloc (09022015). Collection method: clinical testing. Allele origin: germline.
Comment: This sequence change replaces arginine, which is basic and polar, with glycine, which is neutral and non-polar, at codon 272 of the NTHL1 protein (p.Arg272Gly). This variant is not present in population databases (gnomAD no frequency). This variant has not been reported in the literature in individuals affected with NTHL1-related conditions. ClinVar contains an entry for this variant (Variation ID: 1406201). An algorithm developed to predict the effect of missense changes on protein structure and function (PolyPhen-2) suggests that this variant is likely to be disruptive. RNA analysis performed to evaluate the impact of this missense change on mRNA splicing indicates it does not significantly alter splicing (internal data). In summary, the available evidence is currently insufficient to determine the role of this variant in disease. Therefore, it has been classified as a Variant of Uncertain Significance.

NM_002528.7(NTHL1):c.790A>G (p.Arg264Gly)

Gene: NTHL1 (nth like DNA glycosylase 1; minus strand). Cytogenetic location: 16p13.3.
Variant type: single nucleotide variant.
Coding change: c.790A>G on transcript NM_002528.7 (MANE Select); coding-DNA position 790, A replaced by G.
Protein change: p.Arg264Gly; replaces arginine 264 with glycine.
Molecular consequence: missense variant.
Genome position (GRCh38, 1-based): chr16:2,040,134, T>C on the plus strand (A>G on the coding strand, the complement: NTHL1 is on the minus strand). VCF-style: chr16-2040134-T-C. GRCh37 (hg19) VCF-style: chr16-2090135-T-C.
Other names: c.619A>G, p.Arg207Gly (NM_001318193.2); c.460A>G, p.Arg154Gly (NM_001318194.2); short protein forms R207G, R154G, R264G.
Identifiers: ClinVar variation 1406201 (VCV001406201.8), dbSNP rs2150938181, ClinGen allele CA394288607.